The following is an entry in ClinVar:

ClinVar aggregate classification (germline): Uncertain significance (1 of 4 stars; one submission).

Allele frequency attached by ClinVar (database versions not stated): gnomAD 0.00002 and 0.00003; gnomAD exomes 0.00003; ExAC 0.00006; 1000 Genomes Project 30x 0.00016; 1000 Genomes Project 0.00020.
gnomAD v4.1: 46 of 1,613,828 alleles (0.0029%); highest among the groups gnomAD compares: Non-Finnish European, 0.0034%; no homozygotes.

Submission:

Labcorp Genetics (formerly Invitae), Labcorp
Classification: Uncertain significance. Last evaluated: 2025-04-08. Review status: criteria provided, single submitter. Criteria: Invitae Variant Classification Sherloc (09022015). Collection method: clinical testing. Allele origin: germline.
Comment: This sequence change replaces valine, which is neutral and non-polar, with isoleucine, which is neutral and non-polar, at codon 492 of the SLC22A4 protein (p.Val492Ile). This variant is present in population databases (rs188858026, gnomAD 0.006%). This variant has not been reported in the literature in individuals affected with SLC22A4-related conditions. ClinVar contains an entry for this variant (Variation ID: 1509746). Invitae Evidence Modeling of protein sequence and biophysical properties (such as structural, functional, and spatial information, amino acid conservation, physicochemical variation, residue mobility, and thermodynamic stability) indicates that this missense variant is not expected to disrupt SLC22A4 protein function with a negative predictive value of 80%. In summary, the available evidence is currently insufficient to determine the role of this variant in disease. Therefore, it has been classified as a Variant of Uncertain Significance.

NM_003059.3(SLC22A4):c.1474G>A (p.Val492Ile)

Genes: MIR3936HG (MIR3936 host gene; minus strand), SLC22A4 (solute carrier family 22 member 4; plus strand). Cytogenetic location: 5q31.1.
Variant type: single nucleotide variant.
Coding change: c.1474G>A on transcript NM_003059.3 (MANE Select); coding-DNA position 1474, G replaced by A.
Protein change: p.Val492Ile; replaces valine 492 with isoleucine.
Molecular consequence: missense variant.
Genome position (GRCh38, 1-based): chr5:132,340,594, G>A. VCF-style: chr5-132340594-G-A. GRCh37 (hg19) VCF-style: chr5-131676287-G-A.
Other names: short protein forms V492I.
Identifiers: ClinVar variation 1509746 (VCV001509746.6), dbSNP rs188858026, ClinGen allele CA3403702.